The following is an entry in ClinVar:

NM_004614.5(TK2):c.104A>G (p.Gln35Arg)

Genes: TK2 (thymidine kinase 2; minus strand), LOC130059156 (ATAC-STARR-seq lymphoblastoid silent region 7560; plus strand). Cytogenetic location: 16q21.
Variant type: single nucleotide variant.
Coding change: c.104A>G on transcript NM_004614.5 (MANE Select); coding-DNA position 104, A replaced by G.
Protein change: p.Gln35Arg; replaces glutamine 35 with arginine.
Molecular consequence: missense variant. On other transcripts: 5 prime UTR variant (2), non-coding transcript variant (1), intron variant (2).
Genome position (GRCh38, 1-based): chr16:66,549,958, T>C on the plus strand (A>G on the coding strand, the complement: TK2 is on the minus strand). VCF-style: chr16-66549958-T-C. GRCh37 (hg19) VCF-style: chr16-66583861-T-C.
Other names: p.Gln35Arg; c.104A>G, p.Gln35Arg (NM_001172644.2, NM_001172645.2); c.-139A>G (NM_001271934.2); c.-549A>G (NM_001272050.2); c.31+295A>G (NM_001271935.1, NM_001172643.1); short protein forms Q35R.
Identifiers: ClinVar variation 1523238 (VCV001523238.6), dbSNP rs1383669890, ClinGen allele CA396193505.

ClinVar aggregate classification (germline): Uncertain significance. Review status: criteria provided, multiple submitters, no conflicts (2 of 4 stars). 2 submissions from 2 submitters: Uncertain significance (2). Last evaluated 2025-08-18.

Allele frequency attached by ClinVar (database versions not stated): gnomAD exomes below 0.00001.
gnomAD v4.1: 1 of 1,450,660 alleles (0.000069%); highest among the groups gnomAD compares: South Asian, 0.0014%; no homozygotes.

Submissions (2):

Mayo Clinic Laboratories, Mayo Clinic
Classification: Uncertain significance. Last evaluated: 2025-08-18. Review status: criteria provided, single submitter. Criteria: ACMG Guidelines, 2015. Collection method: clinical testing. Allele origin: germline. Observed: 1 variant allele.
Comment: BP4, PM2_supporting

Labcorp Genetics (formerly Invitae), Labcorp
Classification: Uncertain significance. Last evaluated: 2022-02-04. Review status: criteria provided, single submitter. Criteria: Invitae Variant Classification Sherloc (09022015). Collection method: clinical testing. Allele origin: germline.
Comment: This sequence change replaces glutamine, which is neutral and polar, with arginine, which is basic and polar, at codon 35 of the TK2 protein (p.Gln35Arg). This variant is not present in population databases (gnomAD no frequency). This variant has not been reported in the literature in individuals affected with TK2-related conditions. Advanced modeling of protein sequence and biophysical properties (such as structural, functional, and spatial information, amino acid conservation, physicochemical variation, residue mobility, and thermodynamic stability) performed at Invitae indicates that this missense variant is not expected to disrupt TK2 protein function. In summary, the available evidence is currently insufficient to determine the role of this variant in disease. Therefore, it has been classified as a Variant of Uncertain Significance.